The following is an entry in ClinVar:

NM_001130144.3(LTBP3):c.3712G>A (p.Glu1238Lys)

Gene: LTBP3 (latent transforming growth factor beta binding protein 3; minus strand). Cytogenetic location: 11q13.1.
Variant type: single nucleotide variant.
Coding change: c.3712G>A on transcript NM_001130144.3 (MANE Select); coding-DNA position 3712, G replaced by A.
Protein change: p.Glu1238Lys; replaces glutamic acid 1238 with lysine.
Molecular consequence: missense variant.
Genome position (GRCh38, 1-based): chr11:65,539,376, C>T on the plus strand (G>A on the coding strand, the complement: LTBP3 is on the minus strand). VCF-style: chr11-65539376-C-T. GRCh37 (hg19) VCF-style: chr11-65306847-C-T.
Other names: c.3220G>A, p.Glu1074Lys (NM_001164266.1); c.3571G>A, p.Glu1191Lys (NM_021070.4); short protein forms E1074K, E1191K, E1238K.
Identifiers: ClinVar variation 4806887 (VCV004806887.1).

ClinVar aggregate classification (germline): Uncertain significance (1 of 4 stars; one submission).

Conditions:
Brachyolmia-amelogenesis imperfecta syndrome. Also called: PLATYSPONDYLY WITH AMELOGENESIS IMPERFECTA; Tooth agenesis, selective, 6; Dental anomalies and short stature. Identifiers: Orphanet 2899, MedGen C1832594, MONDO:0011018, OMIM 601216. Disease mechanism: loss of function.

gnomAD v4.1: 2 of 1,543,006 alleles (0.00013%); highest among the groups gnomAD compares: African/African-American, 0.0027%; no homozygotes.

Submission:

Labcorp Genetics (formerly Invitae), Labcorp
Classification: Uncertain significance for Brachyolmia-amelogenesis imperfecta syndrome. Last evaluated: 2025-05-27. Review status: criteria provided, single submitter. Criteria: Invitae Variant Classification Sherloc (09022015). Collection method: clinical testing. Allele origin: germline.
Comment: This sequence change replaces glutamic acid, which is acidic and polar, with lysine, which is basic and polar, at codon 1238 of the LTBP3 protein (p.Glu1238Lys). This variant is not present in population databases (gnomAD no frequency). This variant has not been reported in the literature in individuals affected with LTBP3-related conditions. An algorithm developed to predict the effect of missense changes on protein structure and function (PolyPhen-2) suggests that this variant is likely to be disruptive. In summary, the available evidence is currently insufficient to determine the role of this variant in disease. Therefore, it has been classified as a Variant of Uncertain Significance.